The following is an entry in ClinVar:

NM_003611.3(OFD1):c.1313C>G (p.Ser438Ter)

Gene: OFD1 (OFD1 centriole and centriolar satellite protein; plus strand). Cytogenetic location: Xp22.2.
Variant type: single nucleotide variant.
Coding change: c.1313C>G on transcript NM_003611.3 (MANE Select); coding-DNA position 1313, C replaced by G.
Protein change: p.Ser438Ter; replaces serine 438 with a stop codon.
Molecular consequence: nonsense.
Genome position (GRCh38, 1-based): chrX:13,756,669, C>G. VCF-style: chrX-13756669-C-G. GRCh37 (hg19) VCF-style: chrX-13774788-C-G.
Other names: c.1193C>G, p.Ser398Ter (NM_001330209.2); c.893C>G, p.Ser298Ter (NM_001330210.2); short protein forms S438*, S298*, S398*.
Identifiers: ClinVar variation 582225 (VCV000582225.7), dbSNP rs1569141500, ClinGen allele CA412342732.
Genomic context (GRCh38, chrX:13,756,669, plus strand): 5'-TGGCAATAACAAAACAAAACCATATGCTGAATGAAAAGGTTAAAGAGATGAGTGATTATT[C>G]ACTACTAAAAGAAGAGAAACTGGAGCTTCTGGCACAAAATAAATTACTTAAACAACAACT-3'

ClinVar aggregate classification (germline): Pathogenic (1 of 4 stars; one submission).

Conditions:
Orofaciodigital syndrome I (OFD1). Also called: Papillon-Leage and Psaume Syndrome; Oral-Facial-Digital Syndrome Type I; OFDS I. Identifiers: Orphanet 2750, MedGen C1510460, MONDO:0010702, OMIM 311200.
Joubert syndrome. Also called: Familial aplasia of the vermis; CEREBELLOPARENCHYMAL DISORDER IV; JOUBERT-BOLTSHAUSER SYNDROME. Identifiers: Orphanet 475, MedGen C5979921, MONDO:0018772.

Submission:

Labcorp Genetics (formerly Invitae), Labcorp
Classification: Pathogenic for Orofaciodigital syndrome I; Joubert syndrome. Last evaluated: 2022-07-05. Review status: criteria provided, single submitter. Criteria: Invitae Variant Classification Sherloc (09022015). Collection method: clinical testing. Allele origin: germline.
Comment: This sequence change creates a premature translational stop signal (p.Ser438*) in the OFD1 gene. It is expected to result in an absent or disrupted protein product. Loss-of-function variants in OFD1 are known to be pathogenic (PMID: 16783569, 18546297, 27081566). This variant is not present in population databases (gnomAD no frequency). This variant has not been reported in the literature in individuals affected with OFD1-related conditions. ClinVar contains an entry for this variant (Variation ID: 582225). For these reasons, this variant has been classified as Pathogenic.

Literature cited by the submitters: PubMed 16783569; PubMed 18546297; PubMed 27081566.